The following is an entry in ClinVar:

ClinVar aggregate classification (germline): Uncertain significance (1 of 4 stars; one submission).

Conditions:
Hereditary cancer-predisposing syndrome. Also called: Neoplastic Syndromes, Hereditary; Tumor predisposition; Hereditary Cancer Syndrome; Hereditary neoplastic syndrome. Identifiers: Orphanet 140162, MedGen C0027672, MeSH D009386, MONDO:0015356.

Submission:

Ambry Genetics
Classification: Uncertain significance for Hereditary cancer-predisposing syndrome. Last evaluated: 2025-07-11. Review status: criteria provided, single submitter. Criteria: Ambry Variant Classification Scheme 2023. Collection method: clinical testing. Allele origin: germline.
Comment: The p.A1700T variant (also known as c.5098G>A), located in coding exon 39 of the TSC2 gene, results from a G to A substitution at nucleotide position 5098. The alanine at codon 1700 is replaced by threonine, an amino acid with similar properties. This amino acid position is conserved. In addition, the in silico prediction for this alteration is inconclusive. Based on the available evidence, the clinical significance of this variant remains unclear.

NM_000548.5(TSC2):c.5098G>A (p.Ala1700Thr)

Gene: TSC2 (TSC complex subunit 2; plus strand). Cytogenetic location: 16p13.3.
Variant type: single nucleotide variant.
Coding change: c.5098G>A on transcript NM_000548.5 (MANE Select); coding-DNA position 5098, G replaced by A.
Protein change: p.Ala1700Thr; replaces alanine 1700 with threonine.
Molecular consequence: missense variant. On other transcripts: non-coding transcript variant (5).
Genome position (GRCh38, 1-based): chr16:2,088,077, G>A. VCF-style: chr16-2088077-G-A. GRCh37 (hg19) VCF-style: chr16-2138078-G-A.
Other names: c.4897G>A, p.Ala1633Thr (NM_001077183.3); c.5029G>A, p.Ala1677Thr (NM_001114382.3); c.4789G>A, p.Ala1597Thr (NM_001318827.2); c.4753G>A, p.Ala1585Thr (NM_001318829.2); c.4366G>A, p.Ala1456Thr (NM_001318831.2); c.4930G>A, p.Ala1644Thr (NM_001318832.2); c.4900G>A, p.Ala1634Thr (NM_001363528.2); c.4966G>A, p.Ala1656Thr (NM_001370404.1); and 26 more; short protein forms A1185T, A1433T, A1480T, A1585T, A1614T, A1627T, A1634T, A1644T.
Identifiers: ClinVar variation 4192154 (VCV004192154.1).